The following is an entry in ClinVar:

NM_000038.6(APC):c.6504A>C (p.Leu2168=)

Gene: APC (APC regulator of Wnt signaling pathway; plus strand). Cytogenetic location: 5q22.2.
Variant type: single nucleotide variant.
Coding change: c.6504A>C on transcript NM_000038.6 (MANE Select); coding-DNA position 6504, A replaced by C.
Protein change: p.Leu2168=; no amino-acid change (leucine 2168 retained).
Molecular consequence: synonymous variant.
Genome position (GRCh38, 1-based): chr5:112,842,098, A>C. VCF-style: chr5-112842098-A-C. GRCh37 (hg19) VCF-style: chr5-112177795-A-C.
Other names: c.6504A>C, p.Leu2168= (NM_001127510.3, NM_001354895.2); c.6450A>C, p.Leu2150= (NM_001127511.3); c.6558A>C, p.Leu2186= (NM_001354896.2); c.6534A>C, p.Leu2178= (NM_001354897.2); c.6429A>C, p.Leu2143= (NM_001354898.2); c.6420A>C, p.Leu2140= (NM_001354899.2); c.6381A>C, p.Leu2127= (NM_001354900.2); c.6327A>C, p.Leu2109= (NM_001354901.2); and 5 more.
Identifiers: ClinVar variation 755899 (VCV000755899.20), dbSNP rs750058868, ClinGen allele CA045112.

ClinVar aggregate classification (germline): Benign/Likely benign. Review status: criteria provided, multiple submitters, no conflicts (2 of 4 stars). 7 submissions from 7 submitters: Benign (1); Likely benign (5). 1 of the submissions does not count toward it. Last evaluated 2025-09-24.

Conditions:
Classic or attenuated familial adenomatous polyposis. Identifiers: MedGen CN372698, MONDO:0021057.
APC-related disorder. Also called: APC-related condition.
Hereditary cancer-predisposing syndrome. Also called: Hereditary Cancer Syndrome; Hereditary neoplastic syndrome; Neoplastic Syndromes, Hereditary; Tumor predisposition. Identifiers: Orphanet 140162, MedGen C0027672, MeSH D009386, MONDO:0015356.
Familial adenomatous polyposis 1 (FAP1). Also called: FAMILIAL ADENOMATOUS POLYPOSIS 1, ATTENUATED; POLYPOSIS, ADENOMATOUS INTESTINAL. Identifiers: MedGen C2713442, MONDO:0021056, OMIM 175100. Disease mechanism: loss of function.

Allele frequency attached by ClinVar (database versions not stated): gnomAD exomes 0.00001; ExAC 0.00002.

Submissions (7):

Labcorp Genetics (formerly Invitae), Labcorp
Classification: Likely benign for Familial adenomatous polyposis 1. Last evaluated: 2025-09-24. Review status: criteria provided, single submitter. Criteria: Invitae Variant Classification Sherloc (09022015). Collection method: clinical testing. Allele origin: germline.

Myriad Genetics, Inc.
Classification: Benign for Familial adenomatous polyposis 1. Last evaluated: 2024-04-04. Review status: criteria provided, single submitter. Criteria: Myriad Autosomal Dominant, Autosomal Recessive and X-Linked Classification Criteria (2023). Collection method: clinical testing. Allele origin: unknown.
Comment: This variant is considered benign. This variant is a silent/synonymous amino acid change and it is not expected to impact splicing.

All of Us Research Program, National Institutes of Health
Classification: Likely benign for Classic or attenuated familial adenomatous polyposis. Last evaluated: 2024-03-05. Review status: criteria provided, single submitter. Criteria: ACMG Guidelines, 2015. Collection method: clinical testing. Allele origin: germline. Inheritance: Autosomal dominant inheritance. Observed: 1 variant allele, 1 heterozygote.
Comment: This study involves interpretation of variants in research participants for the purpose of population health screening. Participant phenotype was not available at the time of variant classification. Additional details can be found in publication PMID: 35346344, PMCID: PMC8962531

Quest Diagnostics Nichols Institute San Juan Capistrano
Classification: Likely benign. Last evaluated: 2023-03-13. Review status: criteria provided, single submitter. Criteria: Quest Diagnostics criteria. Collection method: clinical testing. Allele origin: unknown.

Ambry Genetics
Classification: Likely benign for Hereditary cancer-predisposing syndrome. Last evaluated: 2020-11-15. Review status: criteria provided, single submitter. Criteria: Ambry Variant Classification Scheme 2023. Collection method: clinical testing. Allele origin: germline.

Color Diagnostics, LLC DBA Color Health
Classification: Likely benign for Hereditary cancer-predisposing syndrome. Last evaluated: 2020-01-06. Review status: criteria provided, single submitter. Criteria: ACMG Guidelines, 2015. Collection method: clinical testing. Allele origin: germline.

PreventionGenetics, part of Exact Sciences
Classification: Likely benign for APC-related condition. Last evaluated: 2024-02-14. Review status: no assertion criteria provided. Collection method: clinical testing. Allele origin: germline. Not counted in ClinVar's aggregate classification.
Comment: This variant is classified as likely benign based on ACMG/AMP sequence variant interpretation guidelines (Richards et al. 2015 PMID: 25741868, with internal and published modifications).